The following is an entry in ClinVar:

NM_021620.4(PRDM13):c.1755G>C (p.Lys585Asn)

Gene: PRDM13 (PR/SET domain 13; plus strand). Cytogenetic location: 6q16.2.
Variant type: single nucleotide variant.
Coding change: c.1755G>C on transcript NM_021620.4 (MANE Select); coding-DNA position 1755, G replaced by C.
Protein change: p.Lys585Asn; replaces lysine 585 with asparagine.
Molecular consequence: missense variant.
Genome position (GRCh38, 1-based): chr6:99,614,390, G>C. VCF-style: chr6-99614390-G-C. GRCh37 (hg19) VCF-style: chr6-100062266-G-C.
Other names: c.1755G>C (NM_021620.3); short protein forms K585N.
Identifiers: ClinVar variation 2809939 (VCV002809939.4), dbSNP rs201812060, ClinGen allele CA3936442.
Genomic context (GRCh38, chr6:99,614,390, plus strand): 5'-CGCAGGTAAGCCCAAGACCGGCCACCTGTGCCTCTACTGTGGCAAGCTGTACTCGCGCAA[G>C]TATGGGCTCAAGATCCACATGCGGACGCACACGGGCTACAAGCCACTCAAGTGCAAAGTC-3'
Protein context (NP_067633.2, residues 575-595): CLYCGKLYSR[Lys585Asn]YGLKIHMRTH

ClinVar aggregate classification (germline): Uncertain significance. Review status: criteria provided, multiple submitters, no conflicts (2 of 4 stars). 2 submissions from 2 submitters: Uncertain significance (2). Last evaluated 2024-04-15.

Conditions:
Inborn genetic diseases. Identifiers: MedGen C0950123, MeSH D030342.

Allele frequency attached by ClinVar (database versions not stated): TOPMed below 0.00001; gnomAD 0.00001; ExAC 0.00002; gnomAD exomes 0.00004; 1000 Genomes Project 30x 0.00031; 1000 Genomes Project 0.00040.
gnomAD v4.1: 26 of 1,613,442 alleles (0.0016%); highest among the groups gnomAD compares: East Asian, 0.058%; 1 homozygote.

Submissions (2):

Labcorp Genetics (formerly Invitae), Labcorp
Classification: Uncertain significance. Last evaluated: 2024-04-15. Review status: criteria provided, single submitter. Criteria: Invitae Variant Classification Sherloc (09022015). Collection method: clinical testing. Allele origin: germline.
Comment: This sequence change replaces lysine, which is basic and polar, with asparagine, which is neutral and polar, at codon 585 of the PRDM13 protein (p.Lys585Asn). This variant is present in population databases (rs201812060, gnomAD 0.03%). This variant has not been reported in the literature in individuals affected with PRDM13-related conditions. An algorithm developed to predict the effect of missense changes on protein structure and function (PolyPhen-2) suggests that this variant is likely to be disruptive. In summary, the available evidence is currently insufficient to determine the role of this variant in disease. Therefore, it has been classified as a Variant of Uncertain Significance.

Ambry Genetics
Classification: Uncertain significance for Inborn genetic diseases. Last evaluated: 2024-02-21. Review status: criteria provided, single submitter. Criteria: Ambry Variant Classification Scheme 2023. Collection method: clinical testing. Allele origin: germline.